The following is an entry in ClinVar:

ClinVar aggregate classification (germline): Uncertain significance (1 of 4 stars; one submission).

Conditions:
Deafness-lymphedema-leukemia syndrome. Also called: Lymphedema, primary, with myelodysplasia; Emberger syndrome. Identifiers: Orphanet 3226, MedGen C3279664, MONDO:0013540, OMIM 614038.
Monocytopenia with susceptibility to infections. Also called: IMMUNODEFICIENCY 21; GATA2 DEFICIENCY; MONOCYTOPENIA AND MYCOBACTERIAL INFECTION SYNDROME; MONOCYTOPENIA WITH SUSCEPTIBILITY TO MYCOBACTERIAL, FUNGAL, AND PAPILLOMAVIRUS INFECTIONS AND MYELODYSPLASIA; COMBINED IMMUNODEFICIENCY WITH SUSCEPTIBILITY TO MYCOBACTERIAL, VIRAL, AND FUNGAL INFECTIONS; Dendritic cell, monocyte, B lymphocyte, and natural killer lymphocyte deficiency. Identifiers: Orphanet 228423, MedGen C3280030, MONDO:0013607, OMIM 614172.

Submission:

Labcorp Genetics (formerly Invitae), Labcorp
Classification: Uncertain significance for Monocytopenia with susceptibility to infections; Deafness-lymphedema-leukemia syndrome. Last evaluated: 2021-05-21. Review status: criteria provided, single submitter. Criteria: Invitae Variant Classification Sherloc (09022015). Collection method: clinical testing. Allele origin: germline.
Comment: This sequence change replaces valine with alanine at codon 211 of the GATA2 protein (p.Val211Ala). The valine residue is weakly conserved and there is a small physicochemical difference between valine and alanine. In summary, the available evidence is currently insufficient to determine the role of this variant in disease. Therefore, it has been classified as a Variant of Uncertain Significance. Advanced modeling of protein sequence and biophysical properties (such as structural, functional, and spatial information, amino acid conservation, physicochemical variation, residue mobility, and thermodynamic stability) performed at Invitae indicates that this missense variant is not expected to disrupt GATA2 protein function. This variant has not been reported in the literature in individuals with GATA2-related conditions. This variant is not present in population databases (ExAC no frequency).

NM_032638.5(GATA2):c.632T>C (p.Val211Ala)

Gene: GATA2 (GATA binding protein 2; minus strand). Cytogenetic location: 3q21.3.
Variant type: single nucleotide variant.
Coding change: c.632T>C on transcript NM_032638.5 (MANE Select); coding-DNA position 632, T replaced by C.
Protein change: p.Val211Ala; replaces valine 211 with alanine.
Molecular consequence: missense variant.
Genome position (GRCh38, 1-based): chr3:128,485,966, A>G on the plus strand (T>C on the coding strand, the complement: GATA2 is on the minus strand). VCF-style: chr3-128485966-A-G. GRCh37 (hg19) VCF-style: chr3-128204809-A-G.
Other names: c.632T>C, p.Val211Ala (NM_001145661.2, NM_001145662.1); short protein forms V211A.
Identifiers: ClinVar variation 1355935 (VCV001355935.8), dbSNP rs2107672235, ClinGen allele CA354406374.